The following is an entry in ClinVar:

NM_032043.3(BRIP1):c.1426del (p.Thr476fs)

Gene: BRIP1 (BRCA1 interacting DNA helicase 1; minus strand). Cytogenetic location: 17q23.2.
Variant type: Deletion.
Coding change: c.1426del on transcript NM_032043.3 (MANE Select); coding-DNA position 1426, one base deleted (A; older notation c.1426delA).
Protein change: p.Thr476fs; shifts the reading frame from threonine 476.
Molecular consequence: frameshift variant.
Genome position (GRCh38, 1-based): chr17:61,793,644, T deleted on the plus strand (A on the coding strand, the reverse complement: BRIP1 is on the minus strand); the first of 2 consecutive T bases (chr17:61,793,644-61,793,645); deleting either gives the same sequence. VCF-style (leftmost placement, unchanged base first): chr17-61793643-GT-G. GRCh37 (hg19) VCF-style: chr17-59871004-GT-G.
Other names: short protein forms T476fs.
Identifiers: ClinVar variation 2583755 (VCV002583755.2), dbSNP rs2545106633, ClinGen allele CA2582342218.

ClinVar aggregate classification (germline): Pathogenic (1 of 4 stars; one submission).

Conditions:
Familial cancer of breast. Also called: Hereditary breast cancer; BREAST CANCER, FAMILIAL; hereditary breast carcinoma. Identifiers: Orphanet 227535, MedGen C0346153, MONDO:0016419, OMIM 114480. Disease mechanism: loss of function.

Submission:

Myriad Genetics, Inc.
Classification: Pathogenic for Familial cancer of breast. Last evaluated: 2023-06-02. Review status: criteria provided, single submitter. Criteria: Myriad Autosomal Dominant, Autosomal Recessive and X-Linked Classification Criteria (2023). Collection method: clinical testing. Allele origin: unknown.
Comment: This variant is considered pathogenic. This variant creates a frameshift predicted to result in premature protein truncation.